The following is an entry in ClinVar:

NM_001035.3(RYR2):c.8951C>T (p.Ser2984Phe)

Gene: RYR2 (ryanodine receptor 2; plus strand). Cytogenetic location: 1q43.
Variant type: single nucleotide variant.
Coding change: c.8951C>T on transcript NM_001035.3 (MANE Select); coding-DNA position 8951, C replaced by T.
Protein change: p.Ser2984Phe; replaces serine 2984 with phenylalanine.
Molecular consequence: missense variant.
Genome position (GRCh38, 1-based): chr1:237,680,511, C>T. VCF-style: chr1-237680511-C-T. GRCh37 (hg19) VCF-style: chr1-237843811-C-T.
Other names: short protein forms S2984F.
Identifiers: ClinVar variation 4757739 (VCV004757739.1).

ClinVar aggregate classification (germline): Uncertain significance (1 of 4 stars; one submission).

Conditions:
Cardiomyopathy (CMYO). Also called: Cardiomyopathies. Identifiers: Orphanet 167848, MedGen C0878544, MONDO:0004994, HP:0001638. Inheritance: Various modes of inheritance.

Submission:

Color Diagnostics, LLC DBA Color Health
Classification: Uncertain significance for Cardiomyopathy. Last evaluated: 2025-07-17. Review status: criteria provided, single submitter. Criteria: ACMG Guidelines, 2015. Collection method: clinical testing. Allele origin: germline.
Comment: This missense variant replaces serine with phenylalanine at codon 2984 of the RYR2 protein. Computational prediction suggests that this variant may have deleterious impact on protein structure and function. To our knowledge, functional studies have not been reported for this variant. This variant has not been reported in individuals affected with RYR2-related disorders in the literature. This variant has not been identified in the general population by the Genome Aggregation Database (gnomAD). The available evidence is insufficient to determine the role of this variant in disease conclusively. Therefore, this variant is classified as a Variant of Uncertain Significance.